The following is an entry in ClinVar:

NM_000051.4(ATM):c.6808-3C>G

Genes: ATM (ATM serine/threonine kinase; plus strand), C11orf65 (chromosome 11 open reading frame 65; minus strand). Cytogenetic location: 11q22.3.
Variant type: single nucleotide variant.
Coding change: c.6808-3C>G on transcript NM_000051.4 (MANE Select); 3 bases into the intron before coding-DNA position 6808, C replaced by G.
Molecular consequence: intron variant.
Genome position (GRCh38, 1-based): chr11:108,326,055, C>G. VCF-style: chr11-108326055-C-G. GRCh37 (hg19) VCF-style: chr11-108196782-C-G.
Other names: c.641-16984G>C (NM_001330368.2); c.*38+9165G>C (NM_001351110.2); c.6808-3C>G (NM_001351834.2).
Identifiers: ClinVar variation 852425 (VCV000852425.9), dbSNP rs2085644636, ClinGen allele CA916080491.

ClinVar aggregate classification (germline): Uncertain significance. Review status: criteria provided, multiple submitters, no conflicts (2 of 4 stars). 2 submissions from 2 submitters: Uncertain significance (2). Last evaluated 2025-04-11.

Conditions:
Hereditary cancer-predisposing syndrome. Also called: Tumor predisposition; Neoplastic Syndromes, Hereditary; Hereditary Cancer Syndrome; Hereditary neoplastic syndrome. Identifiers: Orphanet 140162, MedGen C0027672, MeSH D009386, MONDO:0015356.
Ataxia-telangiectasia syndrome (AT). Also called: ATAXIA-TELANGIECTASIA, COMPLEMENTATION GROUP A; ATAXIA-TELANGIECTASIA, FRESNO VARIANT; Ataxia-telangiectasia; Ataxia-telangiectasia, complementation group D; AT, COMPLEMENTATION GROUP C; Ataxia-telangiectasia, complementation group E. Identifiers: Orphanet 100, MedGen C0004135, MONDO:0008840, OMIM 208900.

Submissions (2):

Ambry Genetics
Classification: Uncertain significance for Hereditary cancer-predisposing syndrome. Last evaluated: 2025-04-11. Review status: criteria provided, single submitter. Criteria: Ambry Variant Classification Scheme 2023. Collection method: clinical testing. Allele origin: germline.
Comment: The c.6808-3C>G intronic variant results from a C to G substitution 3 nucleotides upstream from coding exon 46 in the ATM gene. This nucleotide position is well conserved in available vertebrate species. In silico splice site analysis predicts that this alteration will weaken the native splice acceptor site. Based on the available evidence, the clinical significance of this variant remains unclear.

Labcorp Genetics (formerly Invitae), Labcorp
Classification: Uncertain significance for Ataxia-telangiectasia syndrome. Last evaluated: 2021-11-28. Review status: criteria provided, single submitter. Criteria: Invitae Variant Classification Sherloc (09022015). Collection method: clinical testing. Allele origin: germline.
Comment: This sequence change falls in intron 46 of the ATM gene. It does not directly change the encoded amino acid sequence of the ATM protein. It affects a nucleotide within the consensus splice site. This variant is not present in population databases (gnomAD no frequency). This variant has not been reported in the literature in individuals affected with ATM-related conditions. ClinVar contains an entry for this variant (Variation ID: 852425). Variants that disrupt the consensus splice site are a relatively common cause of aberrant splicing (PMID: 17576681, 9536098). Algorithms developed to predict the effect of sequence changes on RNA splicing suggest that this variant may disrupt the consensus splice site. In summary, the available evidence is currently insufficient to determine the role of this variant in disease. Therefore, it has been classified as a Variant of Uncertain Significance.

Literature cited by the submitters: PubMed 17576681 (cited by Labcorp Genetics (formerly Invitae), Labcorp); PubMed 9536098 (cited by Labcorp Genetics (formerly Invitae), Labcorp).